The following is an entry in ClinVar:

NM_198578.4(LRRK2):c.2030A>C (p.His677Pro)

Gene: LRRK2 (leucine rich repeat kinase 2; plus strand). Cytogenetic location: 12q12.
Variant type: single nucleotide variant.
Coding change: c.2030A>C on transcript NM_198578.4 (MANE Select); coding-DNA position 2030, A replaced by C.
Protein change: p.His677Pro; replaces histidine 677 with proline.
Molecular consequence: missense variant.
Genome position (GRCh38, 1-based): chr12:40,277,976, A>C. VCF-style: chr12-40277976-A-C. GRCh37 (hg19) VCF-style: chr12-40671778-A-C.
Other names: c.2030A>C (NM_198578.3); short protein forms H677P.
Identifiers: ClinVar variation 2570825 (VCV002570825.28), dbSNP rs2499637671, ClinGen allele CA384404627.

ClinVar aggregate classification (germline): Uncertain significance. Review status: criteria provided, multiple submitters, no conflicts (2 of 4 stars). 2 submissions from 2 submitters: Uncertain significance (2). Last evaluated 2023-12-02.

Conditions:
Inborn genetic diseases. Identifiers: MedGen C0950123, MeSH D030342.

Allele frequency attached by ClinVar (database versions not stated): gnomAD exomes below 0.00001.
gnomAD v4.1: 4 of 1,613,558 alleles (0.00025%); highest among the groups gnomAD compares: Non-Finnish European, 0.00034%; no homozygotes.

Submissions (2):

Ambry Genetics
Classification: Uncertain significance for Inborn genetic diseases. Last evaluated: 2023-12-02. Review status: criteria provided, single submitter. Criteria: Ambry Variant Classification Scheme 2023. Collection method: clinical testing. Allele origin: germline.
Comment: The p.H677P variant (also known as c.2030A>C), located in coding exon 17 of the LRRK2 gene, results from an A to C substitution at nucleotide position 2030. The histidine at codon 677 is replaced by proline, an amino acid with similar properties. This amino acid position is conserved. In addition, the in silico prediction for this alteration is inconclusive. Since supporting evidence is limited at this time, the clinical significance of this alteration remains unclear.

CeGaT Center for Human Genetics Tuebingen
Classification: Uncertain significance. Last evaluated: 2023-06-01. Review status: criteria provided, single submitter. Criteria: CeGaT Center For Human Genetics Tuebingen Variant Classification Criteria Version 2. Collection method: clinical testing. Allele origin: germline. Affected: yes. Observed: 1 variant allele.
Comment: LRRK2: PM2, BP4